The following is an entry in ClinVar:

NM_002351.5(SH2D1A):c.225A>G (p.Arg75=)

Gene: SH2D1A (SH2 domain containing 1A; plus strand). Cytogenetic location: Xq25.
Variant type: single nucleotide variant.
Coding change: c.225A>G on transcript NM_002351.5 (MANE Select); coding-DNA position 225, A replaced by G.
Protein change: p.Arg75=; no amino-acid change (arginine 75 retained).
Molecular consequence: synonymous variant.
Genome position (GRCh38, 1-based): chrX:124,370,199, A>G. VCF-style: chrX-124370199-A-G. GRCh37 (hg19) VCF-style: chrX-123504049-A-G.
Other names: c.225A>G, p.Arg75= (NM_001114937.3).
Identifiers: ClinVar variation 1313738 (VCV001313738.4), dbSNP rs371553659, ClinGen allele CA10509280.

ClinVar aggregate classification (germline): Conflicting classifications of pathogenicity. Review status: criteria provided, conflicting classifications (1 of 4 stars). 2 submissions from 2 submitters: Uncertain significance (1); Benign (1). Last evaluated 2024-11-03.

Conditions:
X-linked lymphoproliferative disease due to SH2D1A deficiency (XLP1). Also called: DUNCAN DISEASE; IMMUNODEFICIENCY 5; IMMUNODEFICIENCY, X-LINKED PROGRESSIVE COMBINED VARIABLE; INFECTIOUS MONONUCLEOSIS, SEVERE, SUSCEPTIBILITY TO; SH2D1A-Related Lymphoproliferative Disease, X-Linked; PURTILO SYNDROME. Identifiers: Orphanet 2442, Orphanet 538931, MedGen C5399825, MONDO:0024551, OMIM 308240.

Allele frequency attached by ClinVar (database versions not stated): gnomAD exomes 0.00001; ExAC 0.00002; gnomAD 0.00003; TOPMed 0.00003; ESP Exome Variant Server 0.00009.
gnomAD v4.1: 3 of 1,202,565 alleles (0.00025%); highest among the groups gnomAD compares: African/African-American, 0.0053%; no homozygotes.

Submissions (2):

Labcorp Genetics (formerly Invitae), Labcorp
Classification: Benign for X-linked lymphoproliferative disease due to SH2D1A deficiency. Last evaluated: 2024-11-03. Review status: criteria provided, single submitter. Criteria: Invitae Variant Classification Sherloc (09022015). Collection method: clinical testing. Allele origin: germline.

GeneDx
Classification: Uncertain significance. Last evaluated: 2020-12-18. Review status: criteria provided, single submitter. Criteria: GeneDx Variant Classification Process June 2021. Collection method: clinical testing. Allele origin: germline. Affected: yes.
Comment: Not observed at a significant frequency in large population cohorts (Lek 2016); Has not been previously published as pathogenic or benign to our knowledge; In silico analysis suggests this variant may impact gene splicing. In the absence of RNA/functional studies, the actual effect of this sequence change is unknown.